The following is an entry in ClinVar:

ClinVar aggregate classification (germline): Uncertain significance (1 of 4 stars; one submission).

Conditions:
Immunodeficiency 104. Also called: Severe combined immunodeficiency, autosomal recessive, T cell-negative, B cell-positive, NK cell-positive; Severe Combined Immune Deficiency, Autosomal Recessive, TCell -Negative, B Cell-Positive, NK Cell-Positive, IL7R-Related; SCID, AUTOSOMAL RECESSIVE, T CELL-NEGATIVE, B CELL-POSITIVE, NK CELL-POSITIVE; IMMUNODEFICIENCY 104, SEVERE COMBINED. Identifiers: MedGen C5676890, MONDO:0012163, OMIM 608971.

Allele frequency attached by ClinVar (database versions not stated): TOPMed below 0.00001.
gnomAD v4.1: 6 of 1,612,394 alleles (0.00037%); highest among the groups gnomAD compares: Non-Finnish European, 0.00051%; no homozygotes.

Submission:

Labcorp Genetics (formerly Invitae), Labcorp
Classification: Uncertain significance for Immunodeficiency 104. Last evaluated: 2021-09-01. Review status: criteria provided, single submitter. Criteria: Invitae Variant Classification Sherloc (09022015). Collection method: clinical testing. Allele origin: germline.
Comment: This sequence change replaces threonine with isoleucine at codon 1093 of the PTPRC protein (p.Thr1093Ile). The threonine residue is highly conserved and there is a moderate physicochemical difference between threonine and isoleucine. This variant is not present in population databases (ExAC no frequency). This variant has not been reported in the literature in individuals affected with PTPRC-related conditions. Algorithms developed to predict the effect of missense changes on protein structure and function (SIFT, PolyPhen-2, Align-GVGD) all suggest that this variant is likely to be disruptive. In summary, the available evidence is currently insufficient to determine the role of this variant in disease. Therefore, it has been classified as a Variant of Uncertain Significance.

NM_002838.5(PTPRC):c.3278C>T (p.Thr1093Ile)

Gene: PTPRC (protein tyrosine phosphatase receptor type C; plus strand). Cytogenetic location: 1q32.1.
Variant type: single nucleotide variant.
Coding change: c.3278C>T on transcript NM_002838.5 (MANE Select); coding-DNA position 3278, C replaced by T.
Protein change: p.Thr1093Ile; replaces threonine 1093 with isoleucine.
Molecular consequence: missense variant.
Genome position (GRCh38, 1-based): chr1:198,752,319, C>T. VCF-style: chr1-198752319-C-T. GRCh37 (hg19) VCF-style: chr1-198721448-C-T.
Other names: c.2795C>T, p.Thr932Ile (NM_080921.4); short protein forms T1093I, T932I.
Identifiers: ClinVar variation 855782 (VCV000855782.7), dbSNP rs984089455, ClinGen allele CA35916861.
Genomic context (GRCh38, chr1:198,752,319, plus strand): 5'-CTCAGTACTGGGGAGAAGGAAAGCAAACATATGGAGATATTGAAGTTGACCTGAAAGACA[C>T]AGACAAATCTTCAACTTATACCCTTCGTGTCTTTGAACTGAGACATTCCAAGGTATGGAA-3'
Protein context (NP_002829.3, residues 1083-1103): YGDIEVDLKD[Thr1093Ile]DKSSTYTLRV